The following is an entry in ClinVar:

ClinVar aggregate classification (germline): Uncertain significance (1 of 4 stars; one submission).

Allele frequency attached by ClinVar (database versions not stated): TOPMed below 0.00001; ExAC 0.00001; gnomAD exomes 0.00003.
gnomAD v4.1: 42 of 1,613,426 alleles (0.0026%); highest among the groups gnomAD compares: Non-Finnish European, 0.0035%; no homozygotes.

Submission:

Labcorp Genetics (formerly Invitae), Labcorp
Classification: Uncertain significance. Last evaluated: 2022-04-05. Review status: criteria provided, single submitter. Criteria: Invitae Variant Classification Sherloc (09022015). Collection method: clinical testing. Allele origin: germline.
Comment: In summary, the available evidence is currently insufficient to determine the role of this variant in disease. Therefore, it has been classified as a Variant of Uncertain Significance. Algorithms developed to predict the effect of sequence changes on RNA splicing suggest that this variant may create or strengthen a splice site. This sequence change falls in intron 4 of the ELOVL4 gene. It does not directly change the encoded amino acid sequence of the ELOVL4 protein. This variant is present in population databases (rs777096598, gnomAD 0.0009%). This variant has not been reported in the literature in individuals affected with ELOVL4-related conditions.

NM_022726.4(ELOVL4):c.541+16A>T

Gene: ELOVL4 (ELOVL fatty acid elongase 4; minus strand). Cytogenetic location: 6q14.1.
Variant type: single nucleotide variant.
Coding change: c.541+16A>T on transcript NM_022726.4 (MANE Select); 16 bases into the intron after coding-DNA position 541, A replaced by T.
Molecular consequence: intron variant.
Genome position (GRCh38, 1-based): chr6:79,921,609, T>A on the plus strand (A>T on the coding strand, the complement: ELOVL4 is on the minus strand). VCF-style: chr6-79921609-T-A. GRCh37 (hg19) VCF-style: chr6-80631326-T-A.
Identifiers: ClinVar variation 1921227 (VCV001921227.5), dbSNP rs777096598, ClinGen allele CA3901519.